The following is an entry in ClinVar:

NM_017780.4(CHD7):c.3522+4T>G

Gene: CHD7 (chromodomain helicase DNA binding protein 7; plus strand). Cytogenetic location: 8q12.2.
Variant type: single nucleotide variant.
Coding change: c.3522+4T>G on transcript NM_017780.4 (MANE Select); 4 bases into the intron after coding-DNA position 3522, T replaced by G.
Molecular consequence: intron variant.
Genome position (GRCh38, 1-based): chr8:60,828,810, T>G. VCF-style: chr8-60828810-T-G. GRCh37 (hg19) VCF-style: chr8-61741369-T-G.
Other names: c.1717-33419T>G (NM_001316690.1).
Identifiers: ClinVar variation 3000605 (VCV003000605.3), dbSNP rs2487844500, ClinGen allele CA2740095048.

ClinVar aggregate classification (germline): Uncertain significance (1 of 4 stars; one submission).

Conditions:
CHARGE syndrome (CHARGE). Also called: Hittner Hirsch Kreh syndrome; CHARGE ASSOCIATION--COLOBOMA, HEART ANOMALY, CHOANAL ATRESIA, RETARDATION, GENITAL AND EAR ANOMALIES; Coloboma, heart anomaly, choanal atresia, retardation, genital and ear anomalies; CHARGE association; Hall-Hittner syndrome. Identifiers: Orphanet 138, MedGen C0265354, MONDO:0008965.

Submission:

Labcorp Genetics (formerly Invitae), Labcorp
Classification: Uncertain significance for CHARGE syndrome. Last evaluated: 2024-06-03. Review status: criteria provided, single submitter. Criteria: Invitae Variant Classification Sherloc (09022015). Collection method: clinical testing. Allele origin: germline.
Comment: This sequence change falls in intron 14 of the CHD7 gene. It does not directly change the encoded amino acid sequence of the CHD7 protein. It affects a nucleotide within the consensus splice site. This variant is not present in population databases (gnomAD no frequency). This variant has not been reported in the literature in individuals affected with CHD7-related conditions. Variants that disrupt the consensus splice site are a relatively common cause of aberrant splicing (PMID: 17576681, 9536098). Algorithms developed to predict the effect of sequence changes on RNA splicing suggest that this variant is not likely to affect RNA splicing. In summary, the available evidence is currently insufficient to determine the role of this variant in disease. Therefore, it has been classified as a Variant of Uncertain Significance.

Literature cited by the submitters: PubMed 17576681; PubMed 9536098.